The following is an entry in ClinVar:

ClinVar aggregate classification (germline): Likely benign. Review status: criteria provided, multiple submitters, no conflicts (2 of 4 stars). 2 submissions from 2 submitters: Likely benign (2). Last evaluated 2018-06-14.

Allele frequency attached by ClinVar (database versions not stated): ExAC 0.00223; 1000 Genomes Project 0.00879; ESP Exome Variant Server 0.00815.

Submissions (2):

GeneDx
Classification: Likely benign. Last evaluated: 2018-06-14. Review status: criteria provided, single submitter. Criteria: GeneDx Variant Classification (06012015). Collection method: clinical testing. Allele origin: germline. Affected: yes.
Comment: This variant is considered likely benign or benign based on one or more of the following criteria: it is a conservative change, it occurs at a poorly conserved position in the protein, it is predicted to be benign by multiple in silico algorithms, and/or has population frequency not consistent with disease.

Breakthrough Genomics
Classification: Likely benign. Review status: criteria provided, single submitter. Criteria: ACMG Guidelines, 2015. Collection method: not provided. Allele origin: germline. Inheritance: Autosomal recessive inheritance. Affected: yes.

NM_000071.3(CBS):c.1553-48C>T

Gene: CBS (cystathionine beta-synthase; minus strand). Cytogenetic location: 21q22.3.
Variant type: single nucleotide variant.
Coding change: c.1553-48C>T on transcript NM_000071.3 (MANE Select); 48 bases into the intron before coding-DNA position 1553, C replaced by T.
Molecular consequence: intron variant.
Genome position (GRCh38, 1-based): chr21:43,054,031, G>A on the plus strand (C>T on the coding strand, the complement: CBS is on the minus strand). VCF-style: chr21-43054031-G-A. GRCh37 (hg19) VCF-style: chr21-44474141-G-A.
Other names: c.1553-48C>T (NM_001320298.2, NM_001178009.3, NM_001178008.3); c.1238-48C>T (NM_001321072.1).
Identifiers: ClinVar variation 674445 (VCV000674445.2), dbSNP rs114623741, ClinGen allele CA321684848.